The following is an entry in ClinVar:

ClinVar aggregate classification (germline): Uncertain significance (1 of 4 stars; one submission).

Conditions:
Perlman syndrome (PRLMNS). Identifiers: Orphanet 2849, MedGen C0796113, MONDO:0009965, OMIM 267000.

Submission:

Labcorp Genetics (formerly Invitae), Labcorp
Classification: Uncertain significance for Perlman syndrome. Last evaluated: 2025-03-26. Review status: criteria provided, single submitter. Criteria: Invitae Variant Classification Sherloc (09022015). Collection method: clinical testing. Allele origin: germline.
Comment: This sequence change replaces aspartic acid, which is acidic and polar, with histidine, which is basic and polar, at codon 272 of the DIS3L2 protein (p.Asp272His). This variant is not present in population databases (gnomAD no frequency). This variant has not been reported in the literature in individuals affected with DIS3L2-related conditions. Invitae Evidence Modeling of protein sequence and biophysical properties (such as structural, functional, and spatial information, amino acid conservation, physicochemical variation, residue mobility, and thermodynamic stability) indicates that this missense variant is expected to disrupt DIS3L2 protein function with a positive predictive value of 80%. In summary, the available evidence is currently insufficient to determine the role of this variant in disease. Therefore, it has been classified as a Variant of Uncertain Significance.

NM_152383.5(DIS3L2):c.814G>C (p.Asp272His)

Gene: DIS3L2 (DIS3 like 3'-5' exoribonuclease 2; plus strand). Cytogenetic location: 2q37.1.
Variant type: single nucleotide variant.
Coding change: c.814G>C on transcript NM_152383.5 (MANE Select); coding-DNA position 814, G replaced by C.
Protein change: p.Asp272His; replaces aspartic acid 272 with histidine.
Molecular consequence: missense variant. On other transcripts: non-coding transcript variant (1).
Genome position (GRCh38, 1-based): chr2:232,136,583, G>C. VCF-style: chr2-232136583-G-C. GRCh37 (hg19) VCF-style: chr2-233001293-G-C.
Other names: c.814G>C, p.Asp272His (NM_001257281.2); short protein forms D272H.
Identifiers: ClinVar variation 4743769 (VCV004743769.1).